The following is an entry in ClinVar:

ClinVar aggregate classification (germline): Uncertain significance (1 of 4 stars; one submission).

Allele frequency attached by ClinVar (database versions not stated): gnomAD exomes below 0.00001.
gnomAD v4.1: 3 of 1,613,648 alleles (0.00019%); highest among the groups gnomAD compares: South Asian, 0.0033%; no homozygotes.

Submission:

Labcorp Genetics (formerly Invitae), Labcorp
Classification: Uncertain significance. Last evaluated: 2023-10-03. Review status: criteria provided, single submitter. Criteria: Invitae Variant Classification Sherloc (09022015). Collection method: clinical testing. Allele origin: germline.
Comment: The OPA1 gene has multiple clinically relevant transcripts. This variant occurs in alternate transcript NM_130837.2:c.772G>C (p.Ala258Pro), and corresponds to NM_015560.2:c.625-5427G>C in the primary transcript. This sequence change replaces alanine, which is neutral and non-polar, with proline, which is neutral and non-polar, at codon 258 of the OPA1 protein (p.Ala258Pro). This variant is not present in population databases (gnomAD no frequency). This variant has not been reported in the literature in individuals affected with OPA1-related conditions. Experimental studies and prediction algorithms are not available or were not evaluated, and the functional significance of this variant is currently unknown. In summary, the available evidence is currently insufficient to determine the role of this variant in disease. Therefore, it has been classified as a Variant of Uncertain Significance.

NM_130837.3(OPA1):c.772G>C (p.Ala258Pro)

Genes: OPA1 (OPA1 mitochondrial dynamin like GTPase; plus strand), OPA1-AS1 (OPA1 antisense RNA 1; minus strand). Cytogenetic location: 3q29.
Variant type: single nucleotide variant.
Coding change: c.772G>C on transcript NM_130837.3 (MANE Select); coding-DNA position 772, G replaced by C.
Protein change: p.Ala258Pro; replaces alanine 258 with proline.
Molecular consequence: missense variant. On other transcripts: intron variant (5).
Genome position (GRCh38, 1-based): chr3:193,626,185, G>C. VCF-style: chr3-193626185-G-C. GRCh37 (hg19) VCF-style: chr3-193343974-G-C.
Other names: c.238G>C, p.Ala80Pro (NM_001354663.2); c.610G>C, p.Ala204Pro (NM_130833.3); c.664G>C, p.Ala222Pro (NM_130835.3); c.718G>C, p.Ala240Pro (NM_130836.3); c.253-5427G>C (NM_001354664.2); c.679-5427G>C (NM_130834.3); c.625-5427G>C (NM_015560.3); c.571-5427G>C (NM_130832.3); and 1 more; short protein forms A204P, A240P, A222P, A80P, A258P.
Identifiers: ClinVar variation 2793590 (VCV002793590.3), dbSNP rs2474698535, ClinGen allele CA355788730.